The following is an entry in ClinVar:

ClinVar aggregate classification (germline): Uncertain significance. Review status: criteria provided, multiple submitters, no conflicts (2 of 4 stars). 2 submissions from 2 submitters: Uncertain significance (2). Last evaluated 2025-01-06.

Conditions:
Hereditary cancer-predisposing syndrome. Also called: Hereditary Cancer Syndrome; Neoplastic Syndromes, Hereditary; Tumor predisposition; Hereditary neoplastic syndrome. Identifiers: Orphanet 140162, MedGen C0027672, MeSH D009386, MONDO:0015356.
Familial cancer of breast. Also called: BREAST CANCER, FAMILIAL; hereditary breast carcinoma; Hereditary breast cancer. Identifiers: Orphanet 227535, MedGen C0346153, MONDO:0016419, OMIM 114480. Disease mechanism: loss of function.

Submissions (2):

Ambry Genetics
Classification: Uncertain significance for Hereditary cancer-predisposing syndrome. Last evaluated: 2025-01-06. Review status: criteria provided, single submitter. Criteria: Ambry Variant Classification Scheme 2023. Collection method: clinical testing. Allele origin: germline.
Comment: The p.F133C variant (also known as c.398T>G), located in coding exon 4 of the BARD1 gene, results from a T to G substitution at nucleotide position 398. The phenylalanine at codon 133 is replaced by cysteine, an amino acid with highly dissimilar properties. This amino acid position is conserved. In addition, this alteration is predicted to be tolerated by in silico analysis. Based on the available evidence, the clinical significance of this variant remains unclear.

Labcorp Genetics (formerly Invitae), Labcorp
Classification: Uncertain significance for Familial cancer of breast. Last evaluated: 2024-11-24. Review status: criteria provided, single submitter. Criteria: Invitae Variant Classification Sherloc (09022015). Collection method: clinical testing. Allele origin: germline.
Comment: This sequence change replaces phenylalanine, which is neutral and non-polar, with cysteine, which is neutral and slightly polar, at codon 133 of the BARD1 protein (p.Phe133Cys). This variant is not present in population databases (gnomAD no frequency). This variant has not been reported in the literature in individuals affected with BARD1-related conditions. An algorithm developed to predict the effect of missense changes on protein structure and function (PolyPhen-2) suggests that this variant is likely to be disruptive. In summary, the available evidence is currently insufficient to determine the role of this variant in disease. Therefore, it has been classified as a Variant of Uncertain Significance.

NM_000465.4(BARD1):c.398T>G (p.Phe133Cys)

Gene: BARD1 (BRCA1 associated RING domain 1; minus strand). Cytogenetic location: 2q35.
Variant type: single nucleotide variant.
Coding change: c.398T>G on transcript NM_000465.4 (MANE Select); coding-DNA position 398, T replaced by G.
Protein change: p.Phe133Cys; replaces phenylalanine 133 with cysteine.
Molecular consequence: missense variant. On other transcripts: non-coding transcript variant (2), intron variant (3).
Genome position (GRCh38, 1-based): chr2:214,781,476, A>C on the plus strand (T>G on the coding strand, the complement: BARD1 is on the minus strand). VCF-style: chr2-214781476-A-C. GRCh37 (hg19) VCF-style: chr2-215646200-A-C.
Other names: c.398T>G (NM_000465.2); c.341T>G, p.Phe114Cys (NM_001282543.2); c.158+27936T>G (NM_001282548.2); c.215+15585T>G (NM_001282545.2); c.364+10821T>G (NM_001282549.2); short protein forms F114C, F133C.
Identifiers: ClinVar variation 3619331 (VCV003619331.3).
Genomic context (GRCh38, chr2:214,781,476, plus strand): 5'-TTCTTACTTCGAGGGCTAAACCACATTTTAATTGAATTCTTCTTGTTTCCTGCATCATTA[A>C]ACAAACTTTTCCTAGGTTTATCTTCTTTCAAATCTGACAGAAAAAAAGAAAAAGAAATCT-3'
Protein context (NP_000456.2, residues 123-143): LKEDKPRKSL[Phe133Cys]NDAGNKKNSI